The following is an entry in ClinVar:

ClinVar aggregate classification (germline): Uncertain significance (1 of 4 stars; one submission).

gnomAD v4.1: 5 of 1,205,235 alleles (0.00041%); highest among the groups gnomAD compares: East Asian, 0.015%; no homozygotes.

Submission:

Labcorp Genetics (formerly Invitae), Labcorp
Classification: Uncertain significance. Last evaluated: 2024-03-23. Review status: criteria provided, single submitter. Criteria: Invitae Variant Classification Sherloc (09022015). Collection method: clinical testing. Allele origin: germline.
Comment: This sequence change replaces asparagine, which is neutral and polar, with aspartic acid, which is acidic and polar, at codon 770 of the POLA1 protein (p.Asn770Asp). This variant is not present in population databases (gnomAD no frequency). This variant has not been reported in the literature in individuals affected with POLA1-related conditions. Advanced modeling of protein sequence and biophysical properties (such as structural, functional, and spatial information, amino acid conservation, physicochemical variation, residue mobility, and thermodynamic stability) performed at Invitae indicates that this missense variant is expected to disrupt POLA1 protein function with a positive predictive value of 80%. In summary, the available evidence is currently insufficient to determine the role of this variant in disease. Therefore, it has been classified as a Variant of Uncertain Significance.

NM_001330360.2(POLA1):c.2326A>G (p.Asn776Asp)

Gene: POLA1 (DNA polymerase alpha 1, catalytic subunit; plus strand). Cytogenetic location: Xp22.11.
Variant type: single nucleotide variant.
Coding change: c.2326A>G on transcript NM_001330360.2 (MANE Select); coding-DNA position 2326, A replaced by G.
Protein change: p.Asn776Asp; replaces asparagine 776 with aspartic acid.
Molecular consequence: missense variant. On other transcripts: non-coding transcript variant (2).
Genome position (GRCh38, 1-based): chrX:24,741,484, A>G. VCF-style: chrX-24741484-A-G. GRCh37 (hg19) VCF-style: chrX-24759601-A-G.
Other names: c.2251A>G, p.Asn751Asp (NM_001378303.1); c.2308A>G, p.Asn770Asp (NM_016937.4); short protein forms N751D, N770D, N776D.
Identifiers: ClinVar variation 3667784 (VCV003667784.2).